The following is an entry in ClinVar:

ClinVar aggregate classification (germline): Benign. Review status: criteria provided, single submitter (1 of 4 stars). 2 submissions from 1 submitter: Benign (2). Last evaluated 2018-01-12.

Conditions:
Autosomal dominant hypophosphatemic rickets (ADHR). Also called: HYPOPHOSPHATEMIA, AUTOSOMAL DOMINANT; VITAMIN D-RESISTANT RICKETS, AUTOSOMAL DOMINANT. Identifiers: Orphanet 89937, MedGen C0342642, MONDO:0008660, OMIM 193100.
Tumoral calcinosis, hyperphosphatemic, familial, 2. Identifiers: MedGen C4693863, MONDO:0060714, OMIM 617993.

Allele frequency attached by ClinVar (database versions not stated): gnomAD exomes 0.00034; gnomAD 0.00379 and 0.00403; 1000 Genomes Project 0.00419; TOPMed 0.00443; 1000 Genomes Project 30x 0.00468.
gnomAD v4.1: 582 of 180,930 alleles (0.32%); highest among the groups gnomAD compares: African/African-American, 1.3%; 6 homozygotes.

Submissions (2):

Illumina Laboratory Services, Illumina
Classification: Benign for Tumoral calcinosis, hyperphosphatemic, familial, 2. Last evaluated: 2018-01-12. Review status: criteria provided, single submitter. Criteria: ICSL Variant Classification Criteria 13 December 2019. Collection method: clinical testing. Allele origin: germline.
Comment: This variant was observed in the ICSL laboratory as part of a predisposition screen in an ostensibly healthy population. It had not been previously curated by ICSL or reported in the Human Gene Mutation Database (HGMD: prior to June 1st, 2018), and was therefore a candidate for classification through an automated scoring system. Utilizing variant allele frequency, disease prevalence and penetrance estimates, and inheritance mode, an automated score was calculated to assess if this variant is too frequent to cause the disease. Based on the score and internal cut-off values, a variant classified as benign is not then subjected to further curation. The score for this variant resulted in a classification of benign for this disease.

Illumina Laboratory Services, Illumina
Classification: Benign for Autosomal dominant hypophosphatemic rickets. Last evaluated: 2018-01-12. Review status: criteria provided, single submitter. Criteria: ICSL Variant Classification Criteria 13 December 2019. Collection method: clinical testing. Allele origin: germline.
Comment: the same text as in the submission from Illumina Laboratory Services, Illumina above.

NM_020638.3(FGF23):c.*1971T>C

Gene: FGF23 (fibroblast growth factor 23; minus strand). Cytogenetic location: 12p13.32.
Variant type: single nucleotide variant.
Coding change: c.*1971T>C on transcript NM_020638.3 (MANE Select); 1971 bases downstream of the stop codon, T replaced by C.
Molecular consequence: 3 prime UTR variant.
Genome position (GRCh38, 1-based): chr12:4,368,372, A>G on the plus strand (T>C on the coding strand, the complement: FGF23 is on the minus strand). VCF-style: chr12-4368372-A-G. GRCh37 (hg19) VCF-style: chr12-4477538-A-G.
Identifiers: ClinVar variation 308773 (VCV000308773.5), dbSNP rs140798293, ClinGen allele CA10641209.